The following is an entry in ClinVar:

ClinVar aggregate classification (germline): Uncertain significance (1 of 4 stars; one submission).

Submission:

Labcorp Genetics (formerly Invitae), Labcorp
Classification: Uncertain significance. Last evaluated: 2022-02-01. Review status: criteria provided, single submitter. Criteria: Invitae Variant Classification Sherloc (09022015). Collection method: clinical testing. Allele origin: germline.
Comment: This variant is not present in population databases (gnomAD no frequency). In summary, the available evidence is currently insufficient to determine the role of this variant in disease. Therefore, it has been classified as a Variant of Uncertain Significance. Experimental studies and prediction algorithms are not available or were not evaluated, and the functional significance of this variant is currently unknown. This variant has not been reported in the literature in individuals affected with COL18A1-related conditions. This sequence change replaces alanine with glycine at codon 144 of the COL18A1 protein (p.Ala144Gly). There is a small physicochemical difference between alanine and glycine.

NM_001379500.1(COL18A1):c.431C>G (p.Ala144Gly)

Gene: COL18A1 (collagen type XVIII alpha 1 chain; plus strand). Cytogenetic location: 21q22.3.
Variant type: single nucleotide variant.
Coding change: c.431C>G on transcript NM_001379500.1 (MANE Select); coding-DNA position 431, C replaced by G.
Protein change: p.Ala144Gly; replaces alanine 144 with glycine.
Molecular consequence: missense variant.
Genome position (GRCh38, 1-based): chr21:45,468,566, C>G. VCF-style: chr21-45468566-C-G. GRCh37 (hg19) VCF-style: chr21-46888480-C-G.
Other names: c.971C>G, p.Ala324Gly (NM_030582.4); c.1676C>G, p.Ala559Gly (NM_130444.3); short protein forms A144G, A324G, A559G.
Identifiers: ClinVar variation 1436861 (VCV001436861.6), dbSNP rs2145890702, ClinGen allele CA410512032.
Genomic context (GRCh38, chr21:45,468,566, plus strand): 5'-AGCTCTCTGGGGTGCAGGACGGGCACCAGGACATCTCCCTGCTCTACACAGAACCAGGTG[C>G]AGGCCAGACCCACACAGCCGCCAGCTTCCGGCTCCCCGCCTTCGTCGGCCAGTGGACACA-3'
Protein context (NP_001366429.1, residues 134-154): DISLLYTEPG[Ala144Gly]GQTHTAASFR